The following is an entry in ClinVar:

ClinVar aggregate classification (germline): Likely pathogenic (1 of 4 stars; one submission).

Conditions:
DNAH8-related disorder. Also called: DNAH8-related condition.

Allele frequency attached by ClinVar (database versions not stated): gnomAD exomes below 0.00001.

Submission:

PreventionGenetics, part of Exact Sciences
Classification: Likely pathogenic for DNAH8-related condition. Last evaluated: 2026-01-20. Review status: criteria provided, single submitter. Criteria: ACMG Guidelines, 2015. Collection method: clinical testing. Allele origin: germline.
Comment: The DNAH8 c.2267dupC variant is predicted to result in a frameshift and premature protein termination (p.Asp757Argfs*9). To our knowledge, this variant has not been reported in the literature or in a large population database, indicating this variant is rare. Frameshift variants in DNAH8 are expected to be pathogenic. This variant is interpreted as likely pathogenic.

NM_001206927.2(DNAH8):c.2267dup (p.Asp757fs)

Gene: DNAH8 (dynein axonemal heavy chain 8; plus strand). Cytogenetic location: 6p21.2.
Variant type: Duplication.
Coding change: c.2267dup on transcript NM_001206927.2 (MANE Select); coding-DNA position 2267, one base duplicated (C; older notation c.2267dupC).
Protein change: p.Asp757fs; shifts the reading frame from aspartic acid 757.
Molecular consequence: frameshift variant.
Genome position (GRCh38, 1-based): chr6:38,783,011, C duplicated. VCF-style (leftmost placement, unchanged base first): chr6-38783010-T-TC. GRCh37 (hg19) VCF-style: chr6-38750786-T-TC.
Other names: c.1616dup, p.Asp540fs (NM_001371.4); short protein forms D540fs, D757fs.
Identifiers: ClinVar variation 2635829 (VCV002635829.2), dbSNP rs2532361573, ClinGen allele CA2678592873.